The following is an entry in ClinVar:

NC_012920.1(MT-CYB):m.14927A>G

Gene: MT-CYB (mitochondrially encoded cytochrome b; plus strand).
Variant type: single nucleotide variant.
Genome position: chrM-14927-A-G.
Identifiers: ClinVar variation 693791 (VCV000693791.1), dbSNP rs201551481, ClinGen allele CA337100215.

ClinVar aggregate classification (germline): Benign (1 of 4 stars; one submission).

Conditions:
Leigh syndrome (NULS). Also called: Leigh's necrotizing encephalopathy; Leigh's disease; Leigh's syndrome; LEIGH SYNDROME, NUCLEAR; Leigh Syndrome (mtDNA deletion); Leigh Disease. Identifiers: Orphanet 506, MedGen C2931891, MONDO:0009723, OMIM 256000.

Submission:

Wong Mito Lab, Molecular and Human Genetics, Baylor College of Medicine
Classification: Benign for Leigh syndrome. Last evaluated: 2019-10-17. Review status: criteria provided, single submitter. Criteria: Modified ACMG Guidelines (Unpublished). Collection method: clinical testing. Allele origin: germline.
Comment: The NC_012920.1:m.14927A>G (YP_003024038.1:p.Thr61Ala) variant in MTCYB gene is interpretated to be a Benign variant based on the modified ACMG guidelines (unpublished). This variant meets the following evidence codes: BS1, BS2, BP4